The following is an entry in ClinVar:

ClinVar aggregate classification (germline): Uncertain significance (1 of 4 stars; one submission).

Allele frequency attached by ClinVar (database versions not stated): gnomAD 0.00001; TOPMed 0.00002; gnomAD exomes 0.00003; ESP Exome Variant Server 0.00008.
gnomAD v4.1: 44 of 1,613,926 alleles (0.0027%); highest among the groups gnomAD compares: Non-Finnish European, 0.0034%; no homozygotes.

Submission:

Labcorp Genetics (formerly Invitae), Labcorp
Classification: Uncertain significance. Last evaluated: 2023-11-01. Review status: criteria provided, single submitter. Criteria: Invitae Variant Classification Sherloc (09022015). Collection method: clinical testing. Allele origin: germline.
Comment: This sequence change replaces arginine, which is basic and polar, with glutamine, which is neutral and polar, at codon 808 of the KIF23 protein (p.Arg808Gln). This variant is not present in population databases (gnomAD no frequency). This variant has not been reported in the literature in individuals affected with KIF23-related conditions. Advanced modeling of protein sequence and biophysical properties (such as structural, functional, and spatial information, amino acid conservation, physicochemical variation, residue mobility, and thermodynamic stability) performed at Invitae indicates that this missense variant is not expected to disrupt KIF23 protein function with a negative predictive value of 80%. In summary, the available evidence is currently insufficient to determine the role of this variant in disease. Therefore, it has been classified as a Variant of Uncertain Significance.

NM_001367805.3(KIF23):c.2465G>A (p.Arg822Gln)

Gene: KIF23 (kinesin family member 23; plus strand). Cytogenetic location: 15q23.
Variant type: single nucleotide variant.
Coding change: c.2465G>A on transcript NM_001367805.3 (MANE Select); coding-DNA position 2465, G replaced by A.
Protein change: p.Arg822Gln; replaces arginine 822 with glutamine.
Molecular consequence: missense variant. On other transcripts: non-coding transcript variant (2), intron variant (1).
Genome position (GRCh38, 1-based): chr15:69,444,833, G>A. VCF-style: chr15-69444833-G-A. GRCh37 (hg19) VCF-style: chr15-69737172-G-A.
Other names: c.2423G>A, p.Arg808Gln (NM_001367804.2, NM_138555.4); c.2111G>A, p.Arg704Gln (NM_004856.7); c.2050-1176G>A (NM_001281301.2); short protein forms R704Q, R808Q, R822Q.
Identifiers: ClinVar variation 2721463 (VCV002721463.3), dbSNP rs143795657, ClinGen allele CA272500651.